The following is an entry in ClinVar:

ClinVar aggregate classification (germline): Uncertain significance (1 of 4 stars; one submission).

Allele frequency attached by ClinVar (database versions not stated): TOPMed 0.00002; gnomAD 0.00003; gnomAD exomes 0.00011; ExAC 0.00025.

Submission:

Labcorp Genetics (formerly Invitae), Labcorp
Classification: Uncertain significance. Last evaluated: 2024-11-15. Review status: criteria provided, single submitter. Criteria: Invitae Variant Classification Sherloc (09022015). Collection method: clinical testing. Allele origin: germline.
Comment: This sequence change replaces aspartic acid, which is acidic and polar, with glycine, which is neutral and non-polar, at codon 354 of the ZNF687 protein (p.Asp354Gly). This variant is present in population databases (rs773760565, gnomAD 0.2%), and has an allele count higher than expected for a pathogenic variant. This variant has not been reported in the literature in individuals affected with ZNF687-related conditions. ClinVar contains an entry for this variant (Variation ID: 2883494). An algorithm developed to predict the effect of missense changes on protein structure and function outputs the following: PolyPhen-2: "Benign". The glycine amino acid residue is found in multiple mammalian species, which suggests that this missense change does not adversely affect protein function. In summary, the available evidence is currently insufficient to determine the role of this variant in disease. Therefore, it has been classified as a Variant of Uncertain Significance.

NM_020832.3(ZNF687):c.1061A>G (p.Asp354Gly)

Gene: ZNF687 (zinc finger protein 687; plus strand). Cytogenetic location: 1q21.3.
Variant type: single nucleotide variant.
Coding change: c.1061A>G on transcript NM_020832.3 (MANE Select); coding-DNA position 1061, A replaced by G.
Protein change: p.Asp354Gly; replaces aspartic acid 354 with glycine.
Molecular consequence: missense variant.
Genome position (GRCh38, 1-based): chr1:151,287,352, A>G. VCF-style: chr1-151287352-A-G. GRCh37 (hg19) VCF-style: chr1-151259828-A-G.
Other names: c.1061A>G, p.Asp354Gly (NM_001304763.2, NM_001304764.2); short protein forms D354G.
Identifiers: ClinVar variation 2883494 (VCV002883494.3), dbSNP rs773760565, ClinGen allele CA1088269.